The following is an entry in ClinVar:

NM_006361.6(HOXB13):c.328C>G (p.Pro110Ala)

Gene: HOXB13 (homeobox B13; minus strand). Cytogenetic location: 17q21.32.
Variant type: single nucleotide variant.
Coding change: c.328C>G on transcript NM_006361.6 (MANE Select); coding-DNA position 328, C replaced by G.
Protein change: p.Pro110Ala; replaces proline 110 with alanine.
Molecular consequence: missense variant.
Genome position (GRCh38, 1-based): chr17:48,728,266, G>C on the plus strand (C>G on the coding strand, the complement: HOXB13 is on the minus strand). VCF-style: chr17-48728266-G-C. GRCh37 (hg19) VCF-style: chr17-46805628-G-C.
Other names: short protein forms P110A.
Identifiers: ClinVar variation 483480 (VCV000483480.19), dbSNP rs370361482, ClinGen allele CA8634011.

ClinVar aggregate classification (germline): Uncertain significance. Review status: criteria provided, multiple submitters, no conflicts (2 of 4 stars). 3 submissions from 3 submitters: Uncertain significance (3). Last evaluated 2025-12-21.

Conditions:
Hereditary cancer-predisposing syndrome. Also called: Neoplastic Syndromes, Hereditary; Tumor predisposition; Hereditary Cancer Syndrome; Hereditary neoplastic syndrome. Identifiers: Orphanet 140162, MedGen C0027672, MeSH D009386, MONDO:0015356.

Allele frequency attached by ClinVar (database versions not stated): gnomAD 0.00002; gnomAD exomes 0.00002; TOPMed 0.00002; ExAC 0.00003; ESP Exome Variant Server 0.00008.
gnomAD v4.1: 36 of 1,614,072 alleles (0.0022%); highest among the groups gnomAD compares: Non-Finnish European, 0.0019%; no homozygotes.

Submissions (3):

Labcorp Genetics (formerly Invitae), Labcorp
Classification: Uncertain significance. Last evaluated: 2025-12-21. Review status: criteria provided, single submitter. Criteria: Invitae Variant Classification Sherloc (09022015). Collection method: clinical testing. Allele origin: germline.
Comment: This sequence change replaces proline, which is neutral and non-polar, with alanine, which is neutral and non-polar, at codon 110 of the HOXB13 protein (p.Pro110Ala). This variant is present in population databases (rs370361482, gnomAD 0.02%). This missense change has been observed in individual(s) with breast cancer (PMID: 27424772). ClinVar contains an entry for this variant (Variation ID: 483480). Invitae Evidence Modeling of protein sequence and biophysical properties (such as structural, functional, and spatial information, amino acid conservation, physicochemical variation, residue mobility, and thermodynamic stability) indicates that this missense variant is not expected to disrupt HOXB13 protein function with a negative predictive value of 80%. In summary, the available evidence is currently insufficient to determine the role of this variant in disease. Therefore, it has been classified as a Variant of Uncertain Significance.

Ambry Genetics
Classification: Uncertain significance for Hereditary cancer-predisposing syndrome. Last evaluated: 2025-10-12. Review status: criteria provided, single submitter. Criteria: Ambry Variant Classification Scheme 2023. Collection method: clinical testing. Allele origin: germline.
Comment: The p.P110A variant (also known as c.328C>G), located in coding exon 1 of the HOXB13 gene, results from a C to G substitution at nucleotide position 328. The proline at codon 110 is replaced by alanine, an amino acid with highly similar properties. This amino acid position is highly conserved through mammals but not in all available vertebrate species. In addition, this alteration is predicted to be tolerated by in silico analysis. Since supporting evidence is limited at this time, the clinical significance of this alteration remains unclear.

GeneDx
Classification: Uncertain significance. Last evaluated: 2025-05-25. Review status: criteria provided, single submitter. Criteria: GeneDx Variant Classification Process June 2021. Collection method: clinical testing. Allele origin: germline. Affected: yes.
Comment: In silico analysis suggests that this missense variant does not alter protein structure/function; Has not been previously published as pathogenic or benign to our knowledge; This variant is associated with the following publications: (PMID: 27424772, 28272408)

Literature cited by the submitters: PubMed 27424772 (cited by Labcorp Genetics (formerly Invitae), Labcorp).